The following is an entry in ClinVar:

NM_152564.5(VPS13B):c.1244C>T (p.Pro415Leu)

Gene: VPS13B (vacuolar protein sorting 13 homolog B; plus strand). Cytogenetic location: 8q22.2.
Variant type: single nucleotide variant.
Coding change: c.1244C>T on transcript NM_152564.5 (MANE Select); coding-DNA position 1244, C replaced by T.
Protein change: p.Pro415Leu; replaces proline 415 with leucine.
Molecular consequence: missense variant.
Genome position (GRCh38, 1-based): chr8:99,134,669, C>T. VCF-style: chr8-99134669-C-T. GRCh37 (hg19) VCF-style: chr8-100146897-C-T.
Other names: c.1244C>T, p.Pro415Leu (NM_015243.3, NM_017890.5); short protein forms P415L.
Identifiers: ClinVar variation 1938600 (VCV001938600.5), dbSNP rs1809977565, ClinGen allele CA371861952.

ClinVar aggregate classification (germline): Uncertain significance (1 of 4 stars; one submission).

Conditions:
Cohen syndrome (COH1). Also called: Cutis verticis gyrata, retinitis pigmentosa, and sensorineural deafness; PEPPER SYNDROME. Identifiers: Orphanet 193, MedGen C0265223, MONDO:0008999, OMIM 216550.

Allele frequency attached by ClinVar (database versions not stated): TOPMed below 0.00001; gnomAD 0.00001.
gnomAD v4.1: 1 of 1,609,814 alleles (0.000062%); highest among the groups gnomAD compares: Non-Finnish European, 0.000085%; no homozygotes.

Submission:

Labcorp Genetics (formerly Invitae), Labcorp
Classification: Uncertain significance for Cohen syndrome. Last evaluated: 2022-03-04. Review status: criteria provided, single submitter. Criteria: Invitae Variant Classification Sherloc (09022015). Collection method: clinical testing. Allele origin: germline.
Comment: In summary, the available evidence is currently insufficient to determine the role of this variant in disease. Therefore, it has been classified as a Variant of Uncertain Significance. Algorithms developed to predict the effect of missense changes on protein structure and function are either unavailable or do not agree on the potential impact of this missense change (SIFT: "Not Available"; PolyPhen-2: "Possibly Damaging"; Align-GVGD: "Not Available"). This variant has not been reported in the literature in individuals affected with VPS13B-related conditions. This variant is not present in population databases (gnomAD no frequency). This sequence change replaces proline, which is neutral and non-polar, with leucine, which is neutral and non-polar, at codon 415 of the VPS13B protein (p.Pro415Leu).